The following is an entry in ClinVar:

ClinVar aggregate classification (germline): Uncertain significance. Review status: criteria provided, multiple submitters, no conflicts (2 of 4 stars). 2 submissions from 2 submitters: Uncertain significance (2). Last evaluated 2025-09-02.

Conditions:
Cardiovascular phenotype. Identifiers: MedGen CN230736.
Dilated cardiomyopathy 1HH (CMD1HH). Identifiers: Orphanet 154, MedGen C3151293, MONDO:0013479, OMIM 613881.
Myofibrillar myopathy 6. Identifiers: Orphanet 199340, MedGen C2751831, MONDO:0013061, OMIM 612954.

gnomAD v4.1: 2 of 1,614,068 alleles (0.00012%); highest among the groups gnomAD compares: Non-Finnish European, 0.00017%; no homozygotes.

Submissions (2):

Labcorp Genetics (formerly Invitae), Labcorp
Classification: Uncertain significance for Dilated cardiomyopathy 1HH; Myofibrillar myopathy 6. Last evaluated: 2025-09-02. Review status: criteria provided, single submitter. Criteria: Invitae Variant Classification Sherloc (09022015). Collection method: clinical testing. Allele origin: germline.
Comment: This sequence change replaces methionine, which is neutral and non-polar, with threonine, which is neutral and polar, at codon 525 of the BAG3 protein (p.Met525Thr). This variant is not present in population databases (gnomAD no frequency). This variant has not been reported in the literature in individuals affected with BAG3-related conditions. ClinVar contains an entry for this variant (Variation ID: 1511683). Invitae Evidence Modeling of protein sequence and biophysical properties (such as structural, functional, and spatial information, amino acid conservation, physicochemical variation, residue mobility, and thermodynamic stability) indicates that this missense variant is not expected to disrupt BAG3 protein function with a negative predictive value of 80%. In summary, the available evidence is currently insufficient to determine the role of this variant in disease. Therefore, it has been classified as a Variant of Uncertain Significance.

Ambry Genetics
Classification: Uncertain significance for Cardiovascular phenotype. Last evaluated: 2020-09-02. Review status: criteria provided, single submitter. Criteria: Ambry Variant Classification Scheme 2023. Collection method: clinical testing. Allele origin: germline.
Comment: The p.M525T variant (also known as c.1574T>C), located in coding exon 4 of the BAG3 gene, results from a T to C substitution at nucleotide position 1574. The methionine at codon 525 is replaced by threonine, an amino acid with similar properties. This amino acid position is well conserved in available vertebrate species. In addition, this alteration is predicted to be tolerated by in silico analysis. Since supporting evidence is limited at this time, the clinical significance of this alteration remains unclear.

NM_004281.4(BAG3):c.1574T>C (p.Met525Thr)

Gene: BAG3 (BAG cochaperone 3; plus strand). Cytogenetic location: 10q26.11.
Variant type: single nucleotide variant.
Coding change: c.1574T>C on transcript NM_004281.4 (MANE Select); coding-DNA position 1574, T replaced by C.
Protein change: p.Met525Thr; replaces methionine 525 with threonine.
Molecular consequence: missense variant.
Genome position (GRCh38, 1-based): chr10:119,677,128, T>C. VCF-style: chr10-119677128-T-C. GRCh37 (hg19) VCF-style: chr10-121436640-T-C.
Other names: short protein forms M525T.
Identifiers: ClinVar variation 1511683 (VCV001511683.8), dbSNP rs2134069468, ClinGen allele CA378297615.